The following is an entry in ClinVar:

ClinVar aggregate classification (germline): Conflicting classifications of pathogenicity. Review status: criteria provided, conflicting classifications (1 of 4 stars). 2 submissions from 2 submitters: Pathogenic (1); Uncertain significance (1). Last evaluated 2024-11-13.

Conditions:
Hyper-IgE recurrent infection syndrome 1, autosomal dominant. Also called: Job's Syndrome; STAT3 Hyper IgE Syndrome; Hyper-IgE recurrent infection syndrome 1; HYPER-IgE SYNDROME 1, AUTOSOMAL DOMINANT, WITH RECURRENT INFECTIONS; JOB SYNDROME. Identifiers: Orphanet 2314, MedGen C2936739, MONDO:0007818, OMIM 147060.
STAT3 gain of function. Identifiers: MedGen C4288261.

Submissions (3):

Women's Health and Genetics/Laboratory Corporation of America, LabCorp
Classification: Pathogenic for Hyper-IgE recurrent infection syndrome 1, autosomal dominant. Last evaluated: 2024-11-13. Review status: criteria provided, single submitter. Criteria: LabCorp Variant Classification Summary - May 2015. Collection method: clinical testing. Allele origin: germline.
Comment: Variant summary: STAT3 c.1234A>T (p.Thr412Ser) results in a conservative amino acid change located in the DNA-binding domain (IPR013801) of the encoded protein sequence. Three of five in-silico tools predict a benign effect of the variant on protein function. Consensus agreement among computation tools predict no significant impact on normal splicing. However, these predictions have yet to be confirmed by functional studies. The variant was absent in 252044 control chromosomes. c.1234A>T has been reported in the literature in an individual and at least 2 members of a family affected with Hyper IgE Syndrome where it was shown to co-segregate with disease (de Beaucoudrey 2008, Chandesris 2012, Powers 2009). These data indicate that the variant is likely to be associated with disease. Some of these reports also presented experimental evidence about the variant impact, measuring low levels of memory B-cells with high serum IgE levels in a patient, as well as demonstrating decreased STAT3 phosphorylation, nuclear translocation, DNA-binding and transactivation activity in response to stimulation in patient derived LCLs (Chandesris 2012) or showed significantly decreased transcriptional activity in Luciferase assays in vitro (e.g. Asano_2021). The following publications have been ascertained in the context of this evaluation (PMID: 18591412, 22751495, 19483664, 34137790). ClinVar contains an entry for this variant (Variation ID: 633433). Based on the evidence outlined above, the variant was classified as pathogenic.

Labcorp Genetics (formerly Invitae), Labcorp
Classification: Uncertain significance for STAT3 gain of function; Hyper-IgE recurrent infection syndrome 1, autosomal dominant. Last evaluated: 2019-11-27. Review status: criteria provided, single submitter. Criteria: Invitae Variant Classification Sherloc (09022015). Collection method: clinical testing. Allele origin: germline.
Comment: In summary, the available evidence is currently insufficient to determine the role of this variant in disease. Therefore, it has been classified as a Variant of Uncertain Significance. Algorithms developed to predict the effect of missense changes on protein structure and function (SIFT, PolyPhen-2, Align-GVGD) all suggest that this variant is likely to be tolerated, but these predictions have not been confirmed by published functional studies and their clinical significance is uncertain. This variant has been observed in individual(s) with autosomal dominant hyper-IgE syndrome (PMID: 22751495, 28098554). ClinVar contains an entry for this variant (Variation ID: 633433). This variant is not present in population databases (ExAC no frequency). This sequence change replaces threonine with serine at codon 412 of the STAT3 protein (p.Thr412Ser). The threonine residue is moderately conserved and there is a small physicochemical difference between threonine and serine.

Dr. Peter K. Rogan Lab, Western University
No classification provided (evidence only). Condition: Ovarian serous cystadenocarcinoma. Review status: no classification provided. Collection method: in vitro. Allele origin: not applicable. Functional consequence: retained intron. Not counted in ClinVar's aggregate classification.

Literature cited by the submitters: PubMed 18591412 (cited by Women's Health and Genetics/Laboratory Corporation of America, LabCorp); PubMed 22751495 (cited by Women's Health and Genetics/Laboratory Corporation of America, LabCorp and Labcorp Genetics (formerly Invitae), Labcorp); PubMed 19483664 (cited by Women's Health and Genetics/Laboratory Corporation of America, LabCorp); PubMed 34137790 (cited by Women's Health and Genetics/Laboratory Corporation of America, LabCorp); PubMed 28098554 (cited by Labcorp Genetics (formerly Invitae), Labcorp).

NM_139276.3(STAT3):c.1234A>T (p.Thr412Ser)

Gene: STAT3 (signal transducer and activator of transcription 3; minus strand). Cytogenetic location: 17q21.2.
Variant type: single nucleotide variant.
Coding change: c.1234A>T on transcript NM_139276.3 (MANE Select); coding-DNA position 1234, A replaced by T.
Protein change: p.Thr412Ser; replaces threonine 412 with serine.
Molecular consequence: missense variant.
Genome position (GRCh38, 1-based): chr17:42,329,457, T>A on the plus strand (A>T on the coding strand, the complement: STAT3 is on the minus strand). VCF-style: chr17-42329457-T-A. GRCh37 (hg19) VCF-style: chr17-40481475-T-A.
Other names: c.1234A>T, p.Thr412Ser (NM_001369512.1, NM_001369513.1, NM_001369514.1 and 12 more transcripts); c.1156A>T, p.Thr386Ser (NM_001384985.1); c.1249A>T, p.Thr417Ser (NM_001384986.1, NM_001384990.1); c.1138A>T, p.Thr380Ser (NM_001384989.1); c.1174A>T, p.Thr392Ser (NM_001384992.1); short protein forms T412S, T380S, T386S, T392S, T417S.
Identifiers: ClinVar variation 633433 (VCV000633433.13), dbSNP rs1567713850, ClinGen allele CA399588516.
Genomic context (GRCh38, chr17:42,329,457, plus strand): 5'-CAACAAAACTTACATCACAATTGGCTCGGCCCCCATTCCCACATCTCTGCTCCCTCAGGG[T>A]CTGTAAGAAAAGAAAAAGGCAGGTGTCCTGTGAGGCTCTCCCTAGCCCTCTCCGGCAGCC-3'
Protein context (NP_644805.1, residues 402-422): GSLSAEFKHL[Thr412Ser]LREQRCGNGG